The following is an entry in ClinVar:

NM_025137.4(SPG11):c.6350_6351del (p.Glu2117fs)

Gene: SPG11 (SPG11 vesicle trafficking associated, spatacsin; minus strand). Cytogenetic location: 15q21.1.
Variant type: Microsatellite.
Coding change: c.6350_6351del on transcript NM_025137.4 (MANE Select); coding-DNA positions 6350 to 6351, 2 bases deleted (AG; older notation c.6350_6351delAG).
Protein change: p.Glu2117fs; shifts the reading frame from glutamic acid 2117.
Molecular consequence: frameshift variant.
Genome position (GRCh38, 1-based): chr15:44,570,651-44,570,652, CT deleted on the plus strand (AG on the coding strand, the reverse complement: SPG11 is on the minus strand); deleting any 2 consecutive bases within chr15:44,570,651-44,570,654 gives the same sequence; the c. name uses the placement nearest the transcript's 3' end. VCF-style (leftmost placement, unchanged base first): chr15-44570650-GCT-G. GRCh37 (hg19) VCF-style: chr15-44862848-GCT-G.
Other names: p.Glu2117AlafsTer31; c.6011_6012del, p.Glu2004fs (NM_001160227.2); c.6206_6207del, p.Glu2069fs (NM_001411132.1); short protein forms E2004fs, E2069fs, E2117fs.
Identifiers: ClinVar variation 4845274 (VCV004845274.1).

ClinVar aggregate classification (germline): Likely pathogenic (1 of 4 stars; one submission).

Conditions:
Amyotrophic lateral sclerosis type 5 (ALS5). Also called: AMYOTROPHIC LATERAL SCLEROSIS 5, JUVENILE. Identifiers: Orphanet 300605, MedGen C1865864, MONDO:0011196, OMIM 602099.

Submission:

Foundation for Research in Genetics and Endocrinology, FRIGE's Institute of Human Genetics
Classification: Likely pathogenic for Amyotrophic lateral sclerosis type 5. Last evaluated: 2026-03-14. Review status: criteria provided, single submitter. Criteria: ACMG Guidelines, 2015. Collection method: clinical testing. Allele origin: germline. Inheritance: Autosomal recessive inheritance. Affected: yes. Observed: 1 variant allele, 1 homozygote.
Comment: A homozygous 2 base pair deletion in exon 34 of the SPG11 gene that results in a frameshift and premature truncation of the protein 31 amino acids downstream to codon 2117 (p.Glu2117AlafsTer31) was detected. The variant has not been reported in the 1000 genomes, gnomAD (v3.1), gnomAD (v2.1) and topmed databases. The reference region is conserved across species. In summary, the variant meets our criteria to be classified as likely pathogenic.